The following is an entry in ClinVar:

NM_001032283.3(TMPO):c.85G>A (p.Ala29Thr)

Genes: TMPO (thymopoietin; plus strand), TMPO-AS1 (TMPO antisense RNA 1; minus strand). Cytogenetic location: 12q23.1.
Variant type: single nucleotide variant.
Coding change: c.85G>A on transcript NM_001032283.3 (MANE Select); coding-DNA position 85, G replaced by A.
Protein change: p.Ala29Thr; replaces alanine 29 with threonine.
Molecular consequence: missense variant.
Genome position (GRCh38, 1-based): chr12:98,515,952, G>A. VCF-style: chr12-98515952-G-A. GRCh37 (hg19) VCF-style: chr12-98909730-G-A.
Other names: c.85G>A, p.Ala29Thr (NM_001032284.3, NM_001307975.2, NM_003276.2); short protein forms A29T.
Identifiers: ClinVar variation 1700753 (VCV001700753.6), dbSNP rs1174108011, ClinGen allele CA386239403.

ClinVar aggregate classification (germline): Uncertain significance. Review status: criteria provided, multiple submitters, no conflicts (2 of 4 stars). 3 submissions from 3 submitters: Uncertain significance (3). Last evaluated 2025-11-11.

Conditions:
Loeys-Dietz syndrome 2 (LDS2). Also called: TGFBR2-Related Loeys-Dietz Syndrome; Marfan syndrome, type 2 (formerly); AORTIC ANEURYSM, FAMILIAL THORACIC 3; MARFAN SYNDROME, TYPE II; Marfan Syndrome type 2; Marfan like connective tissue disorder. Identifiers: Orphanet 284973, Orphanet 558, MedGen C2674574, MONDO:0012427, OMIM 610168.

Allele frequency attached by ClinVar (database versions not stated): gnomAD exomes below 0.00001; gnomAD 0.00001 and 0.00002; TOPMed 0.00001.
gnomAD v4.1: 5 of 1,613,276 alleles (0.00031%); highest among the groups gnomAD compares: Admixed American, 0.0017%; no homozygotes.

Submissions (3):

Labcorp Genetics (formerly Invitae), Labcorp
Classification: Uncertain significance for Loeys-Dietz syndrome 2. Last evaluated: 2025-11-11. Review status: criteria provided, single submitter. Criteria: Invitae Variant Classification Sherloc (09022015). Collection method: clinical testing. Allele origin: germline.
Comment: This sequence change replaces alanine, which is neutral and non-polar, with threonine, which is neutral and polar, at codon 29 of the TMPO protein (p.Ala29Thr). This variant is present in population databases (no rsID available, gnomAD no frequency). This variant has not been reported in the literature in individuals affected with TMPO-related conditions. ClinVar contains an entry for this variant (Variation ID: 1700753). An algorithm developed to predict the effect of missense changes on protein structure and function (PolyPhen-2) suggests that this variant is likely to be tolerated. In summary, the available evidence is currently insufficient to determine the role of this variant in disease. Therefore, it has been classified as a Variant of Uncertain Significance.

Ambry Genetics
Classification: Uncertain significance. Last evaluated: 2024-11-18. Review status: criteria provided, single submitter. Criteria: Ambry Variant Classification Scheme 2023. Collection method: clinical testing. Allele origin: germline.
Comment: The p.A29T variant (also known as c.85G>A), located in coding exon 1 of the TMPO gene, results from a G to A substitution at nucleotide position 85. The alanine at codon 29 is replaced by threonine, an amino acid with similar properties. This amino acid position is conserved. In addition, this alteration is predicted to be tolerated by in silico analysis. Based on the available evidence, the clinical significance of this variant remains unclear.

GeneDx
Classification: Uncertain significance. Last evaluated: 2022-02-14. Review status: criteria provided, single submitter. Criteria: GeneDx Variant Classification Process June 2021. Collection method: clinical testing. Allele origin: germline. Affected: yes.
Comment: Has not been previously published as pathogenic or benign to our knowledge; Not observed at significant frequency in large population cohorts (gnomAD); In silico analysis supports that this missense variant does not alter protein structure/function